The following is an entry in ClinVar:

NM_020297.4(ABCC9):c.987_989del (p.Gln329_Asn330delinsHis)

Gene: ABCC9 (ATP binding cassette subfamily C member 9; minus strand). Cytogenetic location: 12p12.1.
Variant type: Deletion.
Coding change: c.987_989del on transcript NM_020297.4 (MANE Select); coding-DNA positions 987 to 989, 3 bases deleted (GAA; older notation c.987_989delGAA).
Protein change: p.Gln329_Asn330delinsHis.
Molecular consequence: inframe indel.
Genome position (GRCh38, 1-based): chr12:21,912,894-21,912,896, TTC deleted on the plus strand (GAA on the coding strand, the reverse complement: ABCC9 is on the minus strand); deleting any 3 consecutive bases within chr12:21,912,894-21,912,897 gives the same sequence; the c. name uses the placement nearest the transcript's 3' end. VCF-style (leftmost placement, unchanged base first): chr12-21912893-ATTC-A. GRCh37 (hg19) VCF-style: chr12-22065827-ATTC-A.
Other names: c.987_989del, p.Gln329_Asn330delinsHis (NM_001377273.1, NM_005691.4); c.123_125del, p.Gln41_Asn42delinsHis (NM_001377274.1).
Identifiers: ClinVar variation 3706008 (VCV003706008.2).

ClinVar aggregate classification (germline): Uncertain significance (1 of 4 stars; one submission).

Conditions:
Dilated cardiomyopathy 1O (CMD1O). Also called: CARDIOMYOPATHY, DILATED, WITH VENTRICULAR TACHYCARDIA. Identifiers: Orphanet 154, MedGen C1837839, MONDO:0012062, OMIM 608569.

Submission:

Labcorp Genetics (formerly Invitae), Labcorp
Classification: Uncertain significance for Dilated cardiomyopathy 1O. Last evaluated: 2025-06-09. Review status: criteria provided, single submitter. Criteria: Invitae Variant Classification Sherloc (09022015). Collection method: clinical testing. Allele origin: germline.
Comment: This variant, c.987_989del, is a complex sequence change that results in the deletion of 2 and insertion of 1 amino acid(s) in the ABCC9 protein (p.Gln329_Asn330delinsHis). This variant is not present in population databases (gnomAD no frequency). This variant has not been reported in the literature in individuals affected with ABCC9-related conditions. ClinVar contains an entry for this variant (Variation ID: 3706008). Experimental studies and prediction algorithms are not available or were not evaluated, and the functional significance of this variant is currently unknown. In summary, the available evidence is currently insufficient to determine the role of this variant in disease. Therefore, it has been classified as a Variant of Uncertain Significance.